The following is an entry in ClinVar:

NM_001510.4(GRID2):c.659T>G (p.Leu220Arg)

Gene: GRID2 (glutamate ionotropic receptor delta type subunit 2; plus strand). Cytogenetic location: 4q22.2.
Variant type: single nucleotide variant.
Coding change: c.659T>G on transcript NM_001510.4 (MANE Select); coding-DNA position 659, T replaced by G.
Protein change: p.Leu220Arg; replaces leucine 220 with arginine.
Molecular consequence: missense variant.
Genome position (GRCh38, 1-based): chr4:93,110,877, T>G. VCF-style: chr4-93110877-T-G. GRCh37 (hg19) VCF-style: chr4-94032028-T-G.
Other names: c.374T>G, p.Leu125Arg (NM_001286838.1); short protein forms L125R, L220R.
Identifiers: ClinVar variation 3389794 (VCV003389794.14).

ClinVar aggregate classification (germline): Uncertain significance (1 of 4 stars; one submission).

Submission:

CeGaT Center for Human Genetics Tuebingen
Classification: Uncertain significance. Last evaluated: 2024-10-01. Review status: criteria provided, single submitter. Criteria: CeGaT Center For Human Genetics Tuebingen Variant Classification Criteria Version 2. Collection method: clinical testing. Allele origin: germline. Affected: yes. Observed: 1 variant allele.
Comment: GRID2: PM2, PP3